The following is an entry in ClinVar:

NM_000377.3(WAS):c.382T>C (p.Phe128Leu)

Gene: WAS (WASP actin nucleation promoting factor; plus strand). Cytogenetic location: Xp11.23.
Variant type: single nucleotide variant.
Coding change: c.382T>C on transcript NM_000377.3 (MANE Select); coding-DNA position 382, T replaced by C.
Protein change: p.Phe128Leu; replaces phenylalanine 128 with leucine.
Molecular consequence: missense variant.
Genome position (GRCh38, 1-based): chrX:48,685,755, T>C. VCF-style: chrX-48685755-T-C. GRCh37 (hg19) VCF-style: chrX-48544144-T-C.
Other names: short protein forms F128L.
Identifiers: ClinVar variation 1410526 (VCV001410526.6), dbSNP rs2147263906, ClinGen allele CA412867468.

ClinVar aggregate classification (germline): Pathogenic (1 of 4 stars; one submission).

Conditions:
Thrombocytopenia 1. Also called: X-Linked Thrombocytopenia (XLT); THROMBOCYTOPENIA, X-LINKED, 1; X-linked thrombocytopenia with normal platelets. Identifiers: Orphanet 268322, Orphanet 852, MedGen C1839163, MONDO:0010743, OMIM 313900.
Wiskott-Aldrich syndrome (WAS). Also called: ALDRICH SYNDROME; IMMUNODEFICIENCY 2; WISKOTT-ALDRICH SYNDROME 1; Wiskott-aldrich syndrome, somatic. Identifiers: Orphanet 906, MedGen C0043194, MONDO:0010518, OMIM 301000.
X-linked severe congenital neutropenia (SCNX). Identifiers: Orphanet 86788, MedGen C1845987, MONDO:0010294, OMIM 300299.

Submission:

Labcorp Genetics (formerly Invitae), Labcorp
Classification: Pathogenic for Wiskott-Aldrich syndrome; X-linked severe congenital neutropenia; Thrombocytopenia 1. Last evaluated: 2020-11-18. Review status: criteria provided, single submitter. Criteria: Invitae Variant Classification Sherloc (09022015). Collection method: clinical testing. Allele origin: germline.
Comment: For these reasons, this variant has been classified as Pathogenic. Experimental studies have shown that this variant affects WAS protein function (PMID: 19817875). This variant has been observed in individual(s) with Wiskott-Aldrich syndrome (PMID: 8931701, 15284122). This variant is also known as 416T>C. This variant is not present in population databases (ExAC no frequency). This sequence change replaces phenylalanine with leucine at codon 128 of the WAS protein (p.Phe128Leu). The phenylalanine residue is highly conserved and there is a small physicochemical difference between phenylalanine and leucine.

Literature cited by the submitters: PubMed 19817875; PubMed 8931701; PubMed 15284122.